The following is an entry in ClinVar:

NM_000130.5(F5):c.4861C>T (p.Arg1621Ter)

Gene: F5 (coagulation factor V; minus strand). Cytogenetic location: 1q24.2.
Variant type: single nucleotide variant.
Coding change: c.4861C>T on transcript NM_000130.5 (MANE Select); coding-DNA position 4861, C replaced by T.
Protein change: p.Arg1621Ter; replaces arginine 1621 with a stop codon.
Molecular consequence: nonsense.
Genome position (GRCh38, 1-based): chr1:169,536,616, G>A on the plus strand (C>T on the coding strand, the complement: F5 is on the minus strand). VCF-style: chr1-169536616-G-A. GRCh37 (hg19) VCF-style: chr1-169505854-G-A.
Other names: short protein forms R1621*.
Identifiers: ClinVar variation 2896365 (VCV002896365.4), dbSNP rs2526378815, ClinGen allele CA343137915.

ClinVar aggregate classification (germline): Pathogenic/Likely pathogenic. Review status: criteria provided, multiple submitters, no conflicts (2 of 4 stars). 2 submissions from 2 submitters: Pathogenic (1); Likely pathogenic (1). Last evaluated 2023-10-23.

Conditions:
Congenital factor V deficiency. Also called: LABILE FACTOR DEFICIENCY; Hereditary factor V deficiency disease; OWREN PARAHEMOPHILIA; PARAHEMOPHILIA. Identifiers: Orphanet 326, MedGen C0015499, MONDO:0009210, OMIM 227400.

Allele frequency attached by ClinVar (database versions not stated): gnomAD exomes below 0.00001.
gnomAD v4.1: 6 of 1,613,252 alleles (0.00037%); highest among the groups gnomAD compares: Middle Eastern, 0.017%; no homozygotes.

Submissions (2):

Labcorp Genetics (formerly Invitae), Labcorp
Classification: Pathogenic for Congenital factor V deficiency. Last evaluated: 2023-10-23. Review status: criteria provided, single submitter. Criteria: Invitae Variant Classification Sherloc (09022015). Collection method: clinical testing. Allele origin: germline.
Comment: This sequence change creates a premature translational stop signal (p.Arg1621*) in the F5 gene. It is expected to result in an absent or disrupted protein product. Loss-of-function variants in F5 are known to be pathogenic (PMID: 30924984). This variant is not present in population databases (gnomAD no frequency). This variant has not been reported in the literature in individuals affected with F5-related conditions. For these reasons, this variant has been classified as Pathogenic.

Laboratory for Molecular Medicine, Mass General Brigham Personalized Medicine
Classification: Likely pathogenic for Congenital factor V deficiency. Last evaluated: 2022-08-26. Review status: criteria provided, single submitter. Criteria: ACMG Guidelines, 2015. Collection method: clinical testing. Allele origin: germline.
Comment: The p.Arg1621X variant in F5 has not been previously reported in individuals with Factor V deficiency and was absent from large population studies. This nonsense variant leads to a premature termination codon at position 1621, which is predicted to lead to a truncated or absent protein. Loss of function of the F5 gene is an established disease mechanism in autosomal recessive Factor V deficiency. In summary, although additional studies are required to fully establish its clinical significance, this variant meets criteria to be classified as likely pathogenic for autosomal recessive Factor V deficiency. ACMG/AMP criteria applied: PVS1, PM2_Supporting.

Literature cited by the submitters: PubMed 30924984 (cited by Labcorp Genetics (formerly Invitae), Labcorp).